The following is an entry in ClinVar:

NM_000026.4(ADSL):c.1105A>C (p.Ile369Leu)

Gene: ADSL (adenylosuccinate lyase; plus strand). Cytogenetic location: 22q13.1.
Variant type: single nucleotide variant.
Coding change: c.1105A>C on transcript NM_000026.4 (MANE Select); coding-DNA position 1105, A replaced by C.
Protein change: p.Ile369Leu; replaces isoleucine 369 with leucine.
Molecular consequence: missense variant. On other transcripts: non-coding transcript variant (1).
Genome position (GRCh38, 1-based): chr22:40,364,279, A>C. VCF-style: chr22-40364279-A-C. GRCh37 (hg19) VCF-style: chr22-40760283-A-C.
Other names: c.1105A>C, p.Ile369Leu (NM_001123378.3, NM_001363840.3); c.913A>C, p.Ile305Leu (NM_001317923.2); short protein forms I305L, I369L.
Identifiers: ClinVar variation 1326670 (VCV001326670.10), dbSNP rs752104617, ClinGen allele CA411646337.

ClinVar aggregate classification (germline): Uncertain significance. Review status: criteria provided, multiple submitters, no conflicts (2 of 4 stars). 2 submissions from 2 submitters: Uncertain significance (2). Last evaluated 2025-01-30.

Conditions:
Adenylosuccinate lyase deficiency (ADSLD). Also called: ADSL DEFICIENCY. Identifiers: Orphanet 46, MedGen C0268126, MONDO:0007068, OMIM 103050.

Allele frequency attached by ClinVar (database versions not stated): gnomAD 0.00001; TOPMed 0.00003.
gnomAD v4.1: 8 of 1,613,750 alleles (0.0005%); highest among the groups gnomAD compares: Admixed American, 0.0017%; no homozygotes.

Submissions (2):

Labcorp Genetics (formerly Invitae), Labcorp
Classification: Uncertain significance for Adenylosuccinate lyase deficiency. Last evaluated: 2025-01-30. Review status: criteria provided, single submitter. Criteria: Invitae Variant Classification Sherloc (09022015). Collection method: clinical testing. Allele origin: germline.
Comment: This sequence change replaces isoleucine, which is neutral and non-polar, with leucine, which is neutral and non-polar, at codon 369 of the ADSL protein (p.Ile369Leu). This variant is not present in population databases (gnomAD no frequency). This missense change has been observed in individual(s) with adenylosuccinate lyase deficiency (PMID: 20049533). ClinVar contains an entry for this variant (Variation ID: 1326670). Invitae Evidence Modeling of protein sequence and biophysical properties (such as structural, functional, and spatial information, amino acid conservation, physicochemical variation, residue mobility, and thermodynamic stability) indicates that this missense variant is not expected to disrupt ADSL protein function with a negative predictive value of 80%. In summary, the available evidence is currently insufficient to determine the role of this variant in disease. Therefore, it has been classified as a Variant of Uncertain Significance.

GeneDx
Classification: Uncertain significance. Last evaluated: 2023-06-13. Review status: criteria provided, single submitter. Criteria: GeneDx Variant Classification Process June 2021. Collection method: clinical testing. Allele origin: germline. Affected: yes.
Comment: Not observed at significant frequency in large population cohorts (gnomAD); In silico analysis supports that this missense variant does not alter protein structure/function; This variant is associated with the following publications: (PMID: 20049533, 21903433)

Literature cited by the submitters: PubMed 20049533 (cited by Labcorp Genetics (formerly Invitae), Labcorp).